The following is an entry in ClinVar:

ClinVar aggregate classification (germline): Uncertain significance (1 of 4 stars; one submission).

Conditions:
Autosomal recessive limb-girdle muscular dystrophy type 2Y (MRRSDC). Also called: Muscular dystrophy, limb-girdle, type 2y; Muscular dystrophy, autosomal recessive, with rigid spine and distal joint contractures. Identifiers: Orphanet 424261, MedGen C4511482, MONDO:0014900, OMIM 617072.

Submission:

Labcorp Genetics (formerly Invitae), Labcorp
Classification: Uncertain significance for Autosomal recessive limb-girdle muscular dystrophy type 2Y. Last evaluated: 2022-02-03. Review status: criteria provided, single submitter. Criteria: Invitae Variant Classification Sherloc (09022015). Collection method: clinical testing. Allele origin: germline.
Comment: In summary, the available evidence is currently insufficient to determine the role of this variant in disease. Therefore, it has been classified as a Variant of Uncertain Significance. Experimental studies and prediction algorithms are not available or were not evaluated, and the functional significance of this variant is currently unknown. This variant has not been reported in the literature in individuals affected with TOR1AIP1-related conditions. This variant is a gross deletion of the genomic region encompassing exon(s) 7-8 of the TOR1AIP1 gene. This variant would be expected to be in-frame, preserving the integrity of the reading frame.

NC_000001.10:g.(?_179876938)_(179877828_?)del

Gene: TOR1AIP1 (torsin 1A interacting protein 1; plus strand). Cytogenetic location: 1q25.2.
Variant type: Deletion.
Identifiers: ClinVar variation 1410381 (VCV001410381.9).